The following is an entry in ClinVar:

ClinVar aggregate classification (germline): Uncertain significance. Review status: criteria provided, multiple submitters, no conflicts (2 of 4 stars). 2 submissions from 2 submitters: Uncertain significance (2). Last evaluated 2023-03-07.

Allele frequency attached by ClinVar (database versions not stated): gnomAD 0.00001; TOPMed 0.00001; gnomAD exomes 0.00002 and 0.00003; ExAC 0.00005.
gnomAD v4.1: 45 of 1,551,014 alleles (0.0029%); highest among the groups gnomAD compares: Non-Finnish European, 0.0035%; no homozygotes.

Submissions (2):

Ambry Genetics
Classification: Uncertain significance. Last evaluated: 2023-03-07. Review status: criteria provided, single submitter. Criteria: Ambry Variant Classification Scheme 2023. Collection method: clinical testing. Allele origin: germline.

Labcorp Genetics (formerly Invitae), Labcorp
Classification: Uncertain significance. Last evaluated: 2021-09-15. Review status: criteria provided, single submitter. Criteria: Invitae Variant Classification Sherloc (09022015). Collection method: clinical testing. Allele origin: germline.
Comment: This sequence change replaces proline with leucine at codon 2 of the KPNA7 protein (p.Pro2Leu). The proline residue is weakly conserved and there is a moderate physicochemical difference between proline and leucine. This variant is present in population databases (rs776296643, ExAC 0.01%). This variant has not been reported in the literature in individuals affected with KPNA7-related conditions. Algorithms developed to predict the effect of missense changes on protein structure and function output the following: SIFT: "Tolerated"; PolyPhen-2: "Benign"; Align-GVGD: "Class C0". The leucine amino acid residue is found in multiple mammalian species, which suggests that this missense change does not adversely affect protein function. In summary, the available evidence is currently insufficient to determine the role of this variant in disease. Therefore, it has been classified as a Variant of Uncertain Significance.

NM_001145715.3(KPNA7):c.5C>T (p.Pro2Leu)

Gene: KPNA7 (karyopherin subunit alpha 7; minus strand). Cytogenetic location: 7q22.1.
Variant type: single nucleotide variant.
Coding change: c.5C>T on transcript NM_001145715.3 (MANE Select); coding-DNA position 5, C replaced by T.
Protein change: p.Pro2Leu; replaces proline 2 with leucine.
Molecular consequence: missense variant.
Genome position (GRCh38, 1-based): chr7:99,207,462, G>A on the plus strand (C>T on the coding strand, the complement: KPNA7 is on the minus strand). VCF-style: chr7-99207462-G-A. GRCh37 (hg19) VCF-style: chr7-98805085-G-A.
Other names: short protein forms P2L.
Identifiers: ClinVar variation 951875 (VCV000951875.7), dbSNP rs776296643, ClinGen allele CA4363317.